The following is an entry in ClinVar:

ClinVar aggregate classification (germline): Uncertain significance (1 of 4 stars; one submission).

Allele frequency attached by ClinVar (database versions not stated): gnomAD exomes below 0.00001.
gnomAD v4.1: 2 of 1,614,162 alleles (0.00012%); highest among the groups gnomAD compares: Non-Finnish European, 0.00017%; no homozygotes.

Submission:

Labcorp Genetics (formerly Invitae), Labcorp
Classification: Uncertain significance. Last evaluated: 2022-11-22. Review status: criteria provided, single submitter. Criteria: Invitae Variant Classification Sherloc (09022015). Collection method: clinical testing. Allele origin: germline.
Comment: ClinVar contains an entry for this variant (Variation ID: 1487581). In summary, the available evidence is currently insufficient to determine the role of this variant in disease. Therefore, it has been classified as a Variant of Uncertain Significance. Algorithms developed to predict the effect of missense changes on protein structure and function (SIFT, PolyPhen-2, Align-GVGD) all suggest that this variant is likely to be tolerated. This variant has not been reported in the literature in individuals affected with BEST1-related conditions. This variant is not present in population databases (gnomAD no frequency). This sequence change replaces isoleucine, which is neutral and non-polar, with methionine, which is neutral and non-polar, at codon 563 of the BEST1 protein (p.Ile563Met).

NM_004183.4(BEST1):c.1689A>G (p.Ile563Met)

Gene: BEST1 (bestrophin 1; plus strand). Cytogenetic location: 11q12.3.
Variant type: single nucleotide variant.
Coding change: c.1689A>G on transcript NM_004183.4 (MANE Select); coding-DNA position 1689, A replaced by G.
Protein change: p.Ile563Met; replaces isoleucine 563 with methionine.
Molecular consequence: missense variant. On other transcripts: non-coding transcript variant (1).
Genome position (GRCh38, 1-based): chr11:61,962,843, A>G. VCF-style: chr11-61962843-A-G. GRCh37 (hg19) VCF-style: chr11-61730315-A-G.
Other names: c.1509A>G, p.Ile503Met (NM_001139443.3, NM_001300787.2); c.1428A>G, p.Ile476Met (NM_001300786.2); c.1371A>G, p.Ile457Met (NM_001363591.3); c.*584A>G (NM_001363592.2); c.717A>G, p.Ile239Met (NM_001363593.3); short protein forms I457M, I503M, I239M, I476M, I563M.
Identifiers: ClinVar variation 1487581 (VCV001487581.6), dbSNP rs2134472255, ClinGen allele CA380850481.